The following is an entry in ClinVar:

NM_000320.3(QDPR):c.546G>A (p.Pro182=)

Gene: QDPR (quinoid dihydropteridine reductase; minus strand). Cytogenetic location: 4p15.32.
Variant type: single nucleotide variant.
Coding change: c.546G>A on transcript NM_000320.3 (MANE Select); coding-DNA position 546, G replaced by A.
Protein change: p.Pro182=; no amino-acid change (proline 182 retained).
Molecular consequence: synonymous variant. On other transcripts: non-coding transcript variant (1).
Genome position (GRCh38, 1-based): chr4:17,490,745, C>T on the plus strand (G>A on the coding strand, the complement: QDPR is on the minus strand). VCF-style: chr4-17490745-C-T. GRCh37 (hg19) VCF-style: chr4-17492368-C-T.
Other names: c.453G>A, p.Pro151= (NM_001306140.2).
Identifiers: ClinVar variation 1036861 (VCV001036861.6), dbSNP rs1176312266, ClinGen allele CA356444521.

ClinVar aggregate classification (germline): Uncertain significance (1 of 4 stars; one submission).

Conditions:
Dihydropteridine reductase deficiency (HPABH4C). Also called: DHPR DEFICIENCY; BH4-Deficient Hyperphenylalaninemia C; HYPERPHENYLALANINEMIA, TETRAHYDROBIOPTERIN-DEFICIENT, DUE TO DHPR DEFICIENCY; QDPR DEFICIENCY; QUINOID DIHYDROPTERIDINE REDUCTASE DEFICIENCY; Phenylketonuria II. Identifiers: Orphanet 226, Orphanet 238583, MedGen C0268465, MONDO:0009862, OMIM 261630.

Submission:

Labcorp Genetics (formerly Invitae), Labcorp
Classification: Uncertain significance for Dihydropteridine reductase deficiency. Last evaluated: 2021-09-30. Review status: criteria provided, single submitter. Criteria: Invitae Variant Classification Sherloc (09022015). Collection method: clinical testing. Allele origin: germline.
Comment: This sequence change affects codon 182 of the QDPR mRNA. It is a 'silent' change, meaning that it does not change the encoded amino acid sequence of the QDPR protein. This variant is not present in population databases (ExAC no frequency). This variant has not been reported in the literature in individuals with QDPR-related conditions. Algorithms developed to predict the effect of sequence changes on RNA splicing suggest that this variant is not likely to affect RNA splicing, but this prediction has not been confirmed by published transcriptional studies. In summary, the available evidence is currently insufficient to determine the role of this variant in disease. Therefore, it has been classified as a Variant of Uncertain Significance.